The following is an entry in ClinVar:

ClinVar aggregate classification (germline): Uncertain significance. Review status: criteria provided, multiple submitters, no conflicts (2 of 4 stars). 2 submissions from 2 submitters: Uncertain significance (2). Last evaluated 2023-05-03.

Conditions:
Ehlers-Danlos syndrome, spondylodysplastic type, 3. Also called: Ehlers-Danlos syndrome, spondylocheirodysplastic type. Identifiers: Orphanet 157965, MedGen C2676510, MONDO:0012873, OMIM 612350.
Inborn genetic diseases. Identifiers: MedGen C0950123, MeSH D030342.

Allele frequency attached by ClinVar (database versions not stated): TOPMed 0.00002; ExAC 0.00004; gnomAD exomes 0.00004.
gnomAD v4.1: 7 of 1,613,318 alleles (0.00043%); highest among the groups gnomAD compares: East Asian, 0.016%; no homozygotes.

Submissions (2):

Ambry Genetics
Classification: Uncertain significance for Inborn genetic diseases. Last evaluated: 2023-05-03. Review status: criteria provided, single submitter. Criteria: Ambry Variant Classification Scheme 2023. Collection method: clinical testing. Allele origin: germline.

Labcorp Genetics (formerly Invitae), Labcorp
Classification: Uncertain significance for Ehlers-Danlos syndrome, spondylodysplastic type, 3. Last evaluated: 2021-08-14. Review status: criteria provided, single submitter. Criteria: Invitae Variant Classification Sherloc (09022015). Collection method: clinical testing. Allele origin: germline.
Comment: This sequence change replaces glycine with valine at codon 8 of the SLC39A13 protein (p.Gly8Val). The glycine residue is weakly conserved and there is a moderate physicochemical difference between glycine and valine. This variant is present in population databases (rs779570378, ExAC 0.06%). This variant has not been reported in the literature in individuals affected with SLC39A13-related conditions. Algorithms developed to predict the effect of missense changes on protein structure and function are either unavailable or do not agree on the potential impact of this missense change (SIFT: "Deleterious"; PolyPhen-2: "Not Available"; Align-GVGD: "Class C0"). In summary, the available evidence is currently insufficient to determine the role of this variant in disease. Therefore, it has been classified as a Variant of Uncertain Significance.

NM_001128225.3(SLC39A13):c.23G>T (p.Gly8Val)

Gene: SLC39A13 (solute carrier family 39 member 13; plus strand). Cytogenetic location: 11p11.2.
Variant type: single nucleotide variant.
Coding change: c.23G>T on transcript NM_001128225.3 (MANE Select); coding-DNA position 23, G replaced by T.
Protein change: p.Gly8Val; replaces glycine 8 with valine.
Molecular consequence: missense variant. On other transcripts: non-coding transcript variant (1).
Genome position (GRCh38, 1-based): chr11:47,410,117, G>T. VCF-style: chr11-47410117-G-T. GRCh37 (hg19) VCF-style: chr11-47431668-G-T.
Other names: c.23G>T, p.Gly8Val (NM_001330245.2, NM_152264.5); c.23G>T (NM_152264.4); short protein forms G8V.
Identifiers: ClinVar variation 1476405 (VCV001476405.6), dbSNP rs779570378, ClinGen allele CA5975641.